The following is an entry in ClinVar:

ClinVar aggregate classification (germline): Conflicting classifications of pathogenicity. Review status: criteria provided, conflicting classifications (1 of 4 stars). 5 submissions from 5 submitters: Uncertain significance (4); Likely benign (1). Last evaluated 2026-01-19.

Conditions:
Inborn genetic diseases. Identifiers: MedGen C0950123, MeSH D030342.

Allele frequency attached by ClinVar (database versions not stated): gnomAD 0.00002; gnomAD exomes 0.00002; ExAC 0.00003; TOPMed 0.00003.
gnomAD v4.1: 40 of 1,613,518 alleles (0.0025%); highest among the groups gnomAD compares: Non-Finnish European, 0.0032%; no homozygotes.

Submissions (5):

Labcorp Genetics (formerly Invitae), Labcorp
Classification: Likely benign. Last evaluated: 2026-01-19. Review status: criteria provided, single submitter. Criteria: Invitae Variant Classification Sherloc (09022015). Collection method: clinical testing. Allele origin: germline.

Blueprint Genetics
Classification: Uncertain significance. Last evaluated: 2022-09-08. Review status: criteria provided, single submitter. Criteria: ACMG Guidelines, 2015. Collection method: clinical testing. Allele origin: germline.

Ambry Genetics
Classification: Uncertain significance for Inborn genetic diseases. Last evaluated: 2021-08-02. Review status: criteria provided, single submitter. Criteria: Ambry Variant Classification Scheme 2023. Collection method: clinical testing. Allele origin: germline.

GeneDx
Classification: Uncertain significance. Last evaluated: 2019-06-24. Review status: criteria provided, single submitter. Criteria: GeneDx Variant Classification Process June 2021. Collection method: clinical testing. Allele origin: germline. Affected: yes.
Comment: In silico analysis, which includes protein predictors and evolutionary conservation, supports a deleterious effect; Has not been previously published as pathogenic or benign to our knowledge

Laboratory for Molecular Medicine, Mass General Brigham Personalized Medicine
Classification: Uncertain significance. Last evaluated: 2014-04-11. Review status: criteria provided, single submitter. Criteria: LMM Criteria. Collection method: clinical testing. Allele origin: germline. Observed: 1 variant allele.
Comment: The Ser3097Arg variant in GPR98 has not been previously reported in literature o r in large population studies. Computational prediction tools and conservation a nalyses do not provide strong support for or against an impact to the protein. I n summary, the clinical significance of the Ser3097Arg variant is uncertain.

NM_032119.4(ADGRV1):c.9291T>G (p.Ser3097Arg)

Gene: ADGRV1 (adhesion G protein-coupled receptor V1; plus strand). Cytogenetic location: 5q14.3.
Variant type: single nucleotide variant.
Coding change: c.9291T>G on transcript NM_032119.4 (MANE Select); coding-DNA position 9291, T replaced by G.
Protein change: p.Ser3097Arg; replaces serine 3097 with arginine.
Molecular consequence: missense variant. On other transcripts: non-coding transcript variant (1).
Genome position (GRCh38, 1-based): chr5:90,716,573, T>G. VCF-style: chr5-90716573-T-G. GRCh37 (hg19) VCF-style: chr5-90012390-T-G.
Other names: short protein forms S3097R.
Identifiers: ClinVar variation 179672 (VCV000179672.17), dbSNP rs727505041, ClinGen allele CA184901.